The following is an entry in ClinVar:

ClinVar aggregate classification (germline): Conflicting classifications of pathogenicity. Review status: criteria provided, conflicting classifications (1 of 4 stars). 3 submissions from 3 submitters: Pathogenic (1); Likely pathogenic (1); Uncertain significance (1). Last evaluated 2024-03-01.

Conditions:
Joubert syndrome 9 (JBTS9). Identifiers: Orphanet 2318, MedGen C2676788, MONDO:0012849, OMIM 612285.
Joubert syndrome. Also called: Familial aplasia of the vermis; JOUBERT-BOLTSHAUSER SYNDROME. Identifiers: Orphanet 475, MedGen C5979921, MONDO:0018772.
Meckel-Gruber syndrome. Also called: Dysencephalia splachnocystica; DYSENCEPHALIA SPLANCHNOCYSTICA; GRUBER SYNDROME. Identifiers: Orphanet 564, MedGen C0265215, MONDO:0018921.
Ciliopathy. Also called: Ciliopathies. Identifiers: Orphanet 363250, MedGen C4277690, MONDO:0005308, MeSH D000072661.

Allele frequency attached by ClinVar (database versions not stated): TOPMed below 0.00001; gnomAD exomes 0.00001.
gnomAD v4.1: 13 of 1,610,796 alleles (0.00081%); highest among the groups gnomAD compares: Non-Finnish European, 0.0011%; no homozygotes.

Submissions (3):

Molecular Genetics, Royal Melbourne Hospital
Classification: Likely pathogenic for Ciliopathy. Last evaluated: 2024-03-01. Review status: criteria provided, single submitter. Criteria: ACMG Guidelines, 2015. Collection method: clinical testing. Allele origin: germline. Inheritance: Autosomal recessive inheritance. Affected: yes.
Comment: This sequence change in CC2D2A is predicted to replace glutamine with histidine at codon 1096, p.(Gln1096His). The glutamine residue is highly conserved (100 vertebrates, Multiz Alignments), and is located in the C2 domain. There is a small physicochemical difference between glutamine and histidine. This variant also falls at the last nucleotide of exon 25 of the CC2D2A coding sequence, which is part of the consensus splice site for this exon. The highest population minor allele frequency in the population database gnomAD v4.0 is 0.001% (13/1,110,402 alleles) in the European (non-Finnish) population, consistent with a recessive disease. This variant has been detected in at least two individuals (compound heterozygous with a pathogenic variant on the other allele) with a phenotype consistent with a ciliopathy (Joubert syndrome; PMID: 18950740, 38259611). Computational evidence predicts an impact on splicing (SpliceAI) for the nucleotide change and predicts a deleterious effect for the missense substitution (REVEL = 0.808). Based on the classification scheme RMH Modified ACMG/AMP Guidelines v1.6.1, this variant is classified as LIKELY PATHOGENIC. Following criteria are met: PM2_Supporting, PM3_Strong, PP3.

Labcorp Genetics (formerly Invitae), Labcorp
Classification: Uncertain significance for Joubert syndrome; Meckel-Gruber syndrome. Last evaluated: 2019-08-25. Review status: criteria provided, single submitter. Criteria: Invitae Variant Classification Sherloc (09022015). Collection method: clinical testing. Allele origin: germline.
Comment: In summary, the available evidence is currently insufficient to determine the role of this variant in disease. Therefore, it has been classified as a Variant of Uncertain Significance. Nucleotide substitutions within the consensus splice site are a relatively common cause of aberrant splicing (PMID: 17576681, 9536098). Algorithms developed to predict the effect of sequence changes on RNA splicing suggest that this variant may disrupt the consensus splice site, but this prediction has not been confirmed by published transcriptional studies. Algorithms developed to predict the effect of missense changes on protein structure and function are either unavailable or do not agree on the potential impact of this missense change (SIFT: "Tolerated"; PolyPhen-2: "Probably Damaging"; Align-GVGD: "Class C0"). This variant has been observed in combination with another CC2D2A variant in an individual affected with Joubert syndrome (PMID: 18950740). ClinVar contains an entry for this variant (Variation ID: 217595). This variant is not present in population databases (ExAC no frequency). This sequence change replaces glutamine with histidine at codon 1096 of the CC2D2A protein (p.Gln1096His). The glutamine residue is highly conserved and there is a small physicochemical difference between glutamine and histidine. This variant also falls at the last nucleotide of exon 26 of the CC2D2A coding sequence, which is part of the consensus splice site for this exon.

UW Hindbrain Malformation Research Program, University of Washington
Classification: Pathogenic for Joubert syndrome 9. Last evaluated: 2015-02-23. Review status: criteria provided, single submitter. Criteria: Bachmann-Gagescu et al. (J Med Genet. 2015). Collection method: research. Allele origin: unknown. Affected: yes.

Literature cited by the submitters: PubMed 18950740 (cited by Molecular Genetics, Royal Melbourne Hospital and Labcorp Genetics (formerly Invitae), Labcorp); PubMed 38259611 (cited by Molecular Genetics, Royal Melbourne Hospital); PubMed 17576681 (cited by Labcorp Genetics (formerly Invitae), Labcorp); PubMed 9536098 (cited by Labcorp Genetics (formerly Invitae), Labcorp).

NM_001378615.1(CC2D2A):c.3288G>C (p.Gln1096His)

Genes: CC2D2A (coiled-coil and C2 domain containing 2A; plus strand), FBXL5 (F-box and leucine rich repeat protein 5; minus strand). Cytogenetic location: 4p15.32.
Variant type: single nucleotide variant.
Coding change: c.3288G>C on transcript NM_001378615.1 (MANE Select); coding-DNA position 3288, G replaced by C.
Protein change: p.Gln1096His; replaces glutamine 1096 with histidine.
Molecular consequence: missense variant.
Genome position (GRCh38, 1-based): chr4:15,567,482, G>C. VCF-style: chr4-15567482-G-C. GRCh37 (hg19) VCF-style: chr4-15569105-G-C.
Other names: c.3288G>C, p.Gln1096His (NM_001080522.2); c.3141G>C, p.Gln1047His (NM_001378617.1); short protein forms Q1096H, Q1047H.
Identifiers: ClinVar variation 217595 (VCV000217595.10), dbSNP rs863225169, ClinGen allele CA279501.